The following is an entry in ClinVar:

NM_021222.3(PRUNE1):c.385_392dup (p.Glu131fs)

Gene: PRUNE1 (prune exopolyphosphatase 1; plus strand). Cytogenetic location: 1q21.3.
Variant type: Duplication.
Coding change: c.385_392dup on transcript NM_021222.3 (MANE Select); coding-DNA positions 385 to 392, 8 bases duplicated (CCCATCGA; older notation c.385_392dupCCCATCGA).
Protein change: p.Glu131fs; shifts the reading frame from glutamic acid 131.
Molecular consequence: frameshift variant. On other transcripts: 5 prime UTR variant (1), intron variant (1).
Genome position (GRCh38, 1-based): chr1:151,024,660-151,024,667, CCCATCGA duplicated; duplicating any 8 consecutive bases within chr1:151,024,653-151,024,667 gives the same sequence; the c. name uses the placement nearest the transcript's 3' end. VCF-style (leftmost placement, unchanged base first): chr1-151024652-A-ACCATCGAC. GRCh37 (hg19) VCF-style: chr1-150997128-A-ACCATCGAC.
Other names: c.-162_-155dup (NM_001303229.2); c.385_392dup, p.Glu131fs (NM_001303242.2); c.77-2573_77-2566dup (NM_001303243.2); c.385_392dupCCCATCGA (NM_021222.3); short protein forms E131fs.
Identifiers: ClinVar variation 3895660 (VCV003895660.3).
Genomic context (GRCh38, chr1:151,024,652, plus strand): 5'-CATACCCTCCCCTCCACAGAAGTGACACAGCCCTAGAGGAGGCAGTAGCAGAGGTGCTAG[A>ACCATCGAC]CCATCGACCCATCGAGCCGAAACACTGCCCTCCCTGCCATGTTTCAGTTGAGCTGGTGGG-3'

ClinVar aggregate classification (germline): Pathogenic/Likely pathogenic. Review status: criteria provided, multiple submitters, no conflicts (2 of 4 stars). 2 submissions from 2 submitters: Pathogenic (1); Likely pathogenic (1). Last evaluated 2025-03-14.

Conditions:
Neurodevelopmental disorder with microcephaly, hypotonia, and variable brain anomalies (NMIHBA). Identifiers: Orphanet 544469, MedGen C4479566, MONDO:0060490, OMIM 617481.

Submissions (2):

Women's Health and Genetics/Laboratory Corporation of America, LabCorp
Classification: Pathogenic for Neurodevelopmental disorder with microcephaly, hypotonia, and variable brain anomalies. Last evaluated: 2025-03-14. Review status: criteria provided, single submitter. Criteria: LabCorp Variant Classification Summary - May 2015. Collection method: clinical testing. Allele origin: germline.
Comment: Variant summary: PRUNE1 c.385_392dupCCCATCGA (p.Glu131AspfsX25) results in a premature termination codon, predicted to cause a truncation of the encoded protein or absence of the protein due to nonsense mediated decay, which are commonly known mechanisms for disease. The variant was absent in 251442 control chromosomes. To our knowledge, no occurrence of c.385_392dupCCCATCGA in individuals affected with Neurodevelopmental Disorder With Microcephaly, Hypotonia, And Variable Brain Anomalies and no experimental evidence demonstrating its impact on protein function have been reported. No submitters have cited clinical-significance assessments for this variant to ClinVar. Based on the evidence outlined above, the variant was classified as pathogenic.

Juno Genomics, Hangzhou Juno Genomics, Inc
Classification: Likely pathogenic for Neurodevelopmental disorder with microcephaly, hypotonia, and variable brain anomalies. Review status: criteria provided, single submitter. Criteria: ACMG Guidelines, 2015. Collection method: clinical testing. Allele origin: germline.
Comment: Absent from controls (or at extremely low frequency if recessive) in Genome Aggregation Database.;Null variant in a gene where loss of function (LOF) is a known mechanism of disease.